The following is an entry in ClinVar:

NM_000297.4(PKD2):c.1716+1G>C

Gene: PKD2 (polycystin 2, transient receptor potential cation channel; plus strand). Cytogenetic location: 4q22.1.
Variant type: single nucleotide variant.
Coding change: c.1716+1G>C on transcript NM_000297.4 (MANE Select); the canonical splice donor site of the intron after coding-DNA position 1716, G replaced by C.
Molecular consequence: splice donor variant.
Genome position (GRCh38, 1-based): chr4:88,052,159, G>C. VCF-style: chr4-88052159-G-C. GRCh37 (hg19) VCF-style: chr4-88973311-G-C.
Other names: c.1491+1G>C (NM_001440544.1).
Identifiers: ClinVar variation 4998511 (VCV004998511.1).
Genomic context (GRCh38, chr4:88,052,159, plus strand): 5'-TATTGGCAGATACAGTTCAACAATATAGCTGCTGTCACAGTATTTTTTGTCTGGATTAAG[G>C]TAATTTATAAATTTCATGTTCTACATTTTAAATAATATTTTCTTTAAAAAAAATGAGTTC-3'

ClinVar aggregate classification (germline): Likely pathogenic (1 of 4 stars; one submission).

Conditions:
PKD2-related disorder. Also called: PKD2-related condition.

Submission:

PreventionGenetics, part of Exact Sciences
Classification: Likely pathogenic for PKD2-related condition. Last evaluated: 2024-10-14. Review status: criteria provided, single submitter. Criteria: ACMG Guidelines, 2015. Collection method: clinical testing. Allele origin: germline.
Comment: The PKD2 c.1716+1G>C variant is predicted to disrupt the GT donor site and interfere with normal splicing. To our knowledge, this variant has not been reported in the literature or in a large population database (gnomAD), indicating this variant is rare. Alternate variants at this same splice junction have been reported in affected individuals (i.e., 1716+1G>A; Audrézet et al. 2012. PubMed ID: 22508176). Variants that disrupt a consensus splice donor site in PKD2 are expected to be pathogenic. This variant is interpreted as likely pathogenic.